The following is an entry in ClinVar:

NM_001378969.1(KCND3):c.740C>T (p.Ala247Val)

Gene: KCND3 (potassium voltage-gated channel subfamily D member 3; minus strand). Cytogenetic location: 1p13.2.
Variant type: single nucleotide variant.
Coding change: c.740C>T on transcript NM_001378969.1 (MANE Select); coding-DNA position 740, C replaced by T.
Protein change: p.Ala247Val; replaces alanine 247 with valine.
Molecular consequence: missense variant.
Genome position (GRCh38, 1-based): chr1:111,981,987, G>A on the plus strand (C>T on the coding strand, the complement: KCND3 is on the minus strand). VCF-style: chr1-111981987-G-A. GRCh37 (hg19) VCF-style: chr1-112524609-G-A.
Other names: c.740C>T, p.Ala247Val (NM_001378970.1, NM_004980.5, NM_172198.3); short protein forms A247V.
Identifiers: ClinVar variation 1710629 (VCV001710629.2), dbSNP rs2525700684, ClinGen allele CA341821467.

ClinVar aggregate classification (germline): Uncertain significance (1 of 4 stars; one submission).

Allele frequency attached by ClinVar (database versions not stated): gnomAD exomes below 0.00001.
gnomAD v4.1: 1 of 1,613,952 alleles (0.000062%); highest among the groups gnomAD compares: Non-Finnish European, 0.000085%; no homozygotes.

Submission:

GeneDx
Classification: Uncertain significance. Last evaluated: 2022-04-12. Review status: criteria provided, single submitter. Criteria: GeneDx Variant Classification Process June 2021. Collection method: clinical testing. Allele origin: germline. Affected: yes.
Comment: Not observed at significant frequency in large population cohorts (gnomAD); In silico analysis supports that this missense variant has a deleterious effect on protein structure/function; Has not been previously published as pathogenic or benign to our knowledge